The following is an entry in ClinVar:

NM_025099.6(CTC1):c.1669G>A (p.Glu557Lys)

Gene: CTC1 (CST telomere replication complex component 1; minus strand). Cytogenetic location: 17p13.1.
Variant type: single nucleotide variant.
Coding change: c.1669G>A on transcript NM_025099.6 (MANE Select); coding-DNA position 1669, G replaced by A.
Protein change: p.Glu557Lys; replaces glutamic acid 557 with lysine.
Molecular consequence: missense variant. On other transcripts: non-coding transcript variant (1).
Genome position (GRCh38, 1-based): chr17:8,234,604, C>T on the plus strand (G>A on the coding strand, the complement: CTC1 is on the minus strand). VCF-style: chr17-8234604-C-T. GRCh37 (hg19) VCF-style: chr17-8137922-C-T.
Other names: short protein forms E557K.
Identifiers: ClinVar variation 835608 (VCV000835608.9), dbSNP rs1987533999, ClinGen allele CA397983197.

ClinVar aggregate classification (germline): Uncertain significance (1 of 4 stars; one submission).

Conditions:
Dyskeratosis congenita. Identifiers: Orphanet 1775, MedGen C0265965, MONDO:0015780.

Allele frequency attached by ClinVar (database versions not stated): gnomAD exomes below 0.00001.
gnomAD v4.1: 4 of 1,612,454 alleles (0.00025%); highest among the groups gnomAD compares: Non-Finnish European, 0.00034%; no homozygotes.

Submission:

Labcorp Genetics (formerly Invitae), Labcorp
Classification: Uncertain significance for Dyskeratosis congenita. Last evaluated: 2024-04-15. Review status: criteria provided, single submitter. Criteria: Invitae Variant Classification Sherloc (09022015). Collection method: clinical testing. Allele origin: germline.
Comment: This sequence change replaces glutamic acid, which is acidic and polar, with lysine, which is basic and polar, at codon 557 of the CTC1 protein (p.Glu557Lys). This variant is not present in population databases (gnomAD no frequency). This variant has not been reported in the literature in individuals affected with CTC1-related conditions. ClinVar contains an entry for this variant (Variation ID: 835608). Advanced modeling of protein sequence and biophysical properties (such as structural, functional, and spatial information, amino acid conservation, physicochemical variation, residue mobility, and thermodynamic stability) performed at Invitae indicates that this missense variant is not expected to disrupt CTC1 protein function with a negative predictive value of 80%. In summary, the available evidence is currently insufficient to determine the role of this variant in disease. Therefore, it has been classified as a Variant of Uncertain Significance.